The following is an entry in ClinVar:

NM_130837.3(OPA1):c.1681+1G>A

Gene: OPA1 (OPA1 mitochondrial dynamin like GTPase; plus strand). Cytogenetic location: 3q29.
Variant type: single nucleotide variant.
Coding change: c.1681+1G>A on transcript NM_130837.3 (MANE Select); the canonical splice donor site of the intron after coding-DNA position 1681, G replaced by A.
Molecular consequence: splice donor variant.
Genome position (GRCh38, 1-based): chr3:193,645,626, G>A. VCF-style: chr3-193645626-G-A. GRCh37 (hg19) VCF-style: chr3-193363415-G-A.
Other names: NC_000003.11:g.193363415G>A; c.1144+1G>A (NM_001354664.2); c.1147+1G>A (NM_001354663.2); c.1570+1G>A (NM_130834.3); c.1627+1G>A (NM_130836.3); c.1516+1G>A (NM_015560.3); c.1573+1G>A (NM_130835.3); c.1462+1G>A (NM_130832.3); and 2 more.
Identifiers: ClinVar variation 3250169 (VCV003250169.3).

ClinVar aggregate classification (germline): Pathogenic. Review status: criteria provided, single submitter (1 of 4 stars). 2 submissions from 2 submitters: Pathogenic (1). 1 of the submissions does not count toward it. Last evaluated 2025-09-19.

Conditions:
Optic atrophy. Identifiers: MedGen C0029124, MONDO:0003608, HP:0000648.

Submissions (3):

GeneDx
Classification: Pathogenic. Last evaluated: 2025-09-19. Review status: criteria provided, single submitter. Criteria: GeneDx Variant Classification Process June 2021. Collection method: clinical testing. Allele origin: germline. Affected: yes.
Comment: Canonical splice site variant predicted to result in a null allele in a gene for which loss of function is a known mechanism of disease; Not observed at significant frequency in large population cohorts (gnomAD); This variant is associated with the following publications: (PMID: 32855858, 35273349, 17722006, 11440989, 36729443, 34242285, 25564500)

Institute of Human Genetics, Univ. Regensburg, Univ. Regensburg
Classification: Pathogenic for Optic atrophy. Last evaluated: 2012-01-01. Review status: no assertion criteria provided. Criteria: ACMG Guidelines, 2015. Collection method: clinical testing. Allele origin: germline. Affected: yes. Not counted in ClinVar's aggregate classification.

Dr. Peter K. Rogan Lab, Western University
No classification provided (evidence only). Condition: Glioma susceptibility 1. Review status: no classification provided. Collection method: in vitro. Allele origin: not applicable. Functional consequence: skipped exon. Not counted in ClinVar's aggregate classification.